The following is an entry in ClinVar:

ClinVar aggregate classification (somatic clinical impact): Tier I - Strong. Review status: criteria provided, single submitter (1 of 4 stars). 2 submissions from 1 submitter. Last evaluated 2025-06-23.
ClinVar aggregate classification (oncogenicity): Oncogenic (1 of 4 stars; one submission).

Conditions:
Diffuse midline glioma, H3 K27M-mutant. Identifiers: MedGen C4289688, MONDO:0957196.
Diffuse pediatric-type high-grade glioma, H3-wildtype and IDH-wildtype. Identifiers: MedGen C5669918, MONDO:0858939.
Neoplasm. Also called: Neoplasms; Neoplasm (disease); tumor. Identifiers: MedGen C0027651, MeSH D009369, MONDO:0005070, HP:0002664.

Allele frequency attached by ClinVar (database versions not stated): ExAC 0.00001.

Submissions (3):

Institute for Genomic Medicine (IGM) Clinical Laboratory, Nationwide Children's Hospital
Classification: Tier I - Strong for Diffuse pediatric-type high-grade glioma, H3-wildtype and IDH-wildtype. Assertion type: diagnostic. Clinical significance: supports diagnosis. Last evaluated: 2025-06-23. Review status: criteria provided, single submitter. Criteria: AMP/ASCO/CAP Guidelines, 2017. Collection method: clinical testing. Allele origin: somatic. Affected: yes.
Comment: Variant has Tier I (strong) clinical significance as a diagnostic inclusion criterion in diffuse pediatric-type high-grade glioma, H3-wildtype and IDH-wildtype, based on the following evidence: 1) Documented in one or more cancer databases (e.g., St. Jude Pecan, COSMIC, CIViC, OncoKB). 2) Appears in one or more well-established professional guidelines (e.g., World Health Organization [WHO]; National Comprehensive Cancer Network [NCCN]) as providing diagnostic, prognostic, or therapeutic information. 3) Information in the literature supports potential biologic effect of variant (PMIDs: 17177598, 29141884). 4) Diagnostic for a specific tumor type/classification based on well-powered studies with expert-level consensus (Evidence Level B; PMIDs: 28966033, 24705251, 29763623, 28912153, 35332262, 28401334, 40063504).

Center for Genomic Medicine, Rigshospitalet, Copenhagen University Hospital
Classification: Oncogenic for Neoplasm. Last evaluated: 2025-03-04. Review status: criteria provided, single submitter. Criteria: ClinGen/CGC/VICC Guidelines for Oncogenicity, 2022. Collection method: clinical testing. Allele origin: somatic. Affected: yes.

Institute for Genomic Medicine (IGM) Clinical Laboratory, Nationwide Children's Hospital
Classification: Tier I - Strong for Diffuse midline glioma, H3 K27M-mutant. Assertion type: diagnostic. Clinical significance: supports diagnosis. Last evaluated: 2024-01-02. Review status: criteria provided, single submitter. Criteria: AMP/ASCO/CAP Guidelines, 2017. Collection method: clinical testing. Allele origin: somatic. Affected: yes.
Comment: Variant has Tier I (strong) clinical significance as a diagnostic inclusion criterion in diffuse midline glioma, H3 K27M-mutant, based on the following evidence: 1) Documented in one or more cancer databases (e.g., St. Jude Pecan, COSMIC, CIViC, OncoKB). 2) Appears in one or more well-established professional guidelines (e.g., World Health Organization [WHO]; National Comprehensive Cancer Network [NCCN]) as providing diagnostic, prognostic, or therapeutic information. 3) Information in the literature supports potential biologic effect of variant (PMIDs: 17177598, 29141884). 4) Diagnostic for a specific tumor type/classification based on well-powered studies with expert-level consensus (Evidence Level B; PMIDs: 24705251, 28966033, 28912153, 29763623).

Literature cited by the submitters: PubMed 17177598 (cited by Institute for Genomic Medicine (IGM) Clinical Laboratory, Nationwide Children's Hospital and Center for Genomic Medicine, Rigshospitalet, Copenhagen University Hospital); PubMed 29141884 (cited by Institute for Genomic Medicine (IGM) Clinical Laboratory, Nationwide Children's Hospital and Center for Genomic Medicine, Rigshospitalet, Copenhagen University Hospital); PubMed 28966033 (cited by Institute for Genomic Medicine (IGM) Clinical Laboratory, Nationwide Children's Hospital); PubMed 24705251 (cited by Institute for Genomic Medicine (IGM) Clinical Laboratory, Nationwide Children's Hospital); PubMed 29763623 (cited by Institute for Genomic Medicine (IGM) Clinical Laboratory, Nationwide Children's Hospital); PubMed 28912153 (cited by Institute for Genomic Medicine (IGM) Clinical Laboratory, Nationwide Children's Hospital); PubMed 35332262 (cited by Institute for Genomic Medicine (IGM) Clinical Laboratory, Nationwide Children's Hospital); PubMed 28401334 (cited by Institute for Genomic Medicine (IGM) Clinical Laboratory, Nationwide Children's Hospital); PubMed 40063504 (cited by Institute for Genomic Medicine (IGM) Clinical Laboratory, Nationwide Children's Hospital); PubMed 29533785 (cited by Center for Genomic Medicine, Rigshospitalet, Copenhagen University Hospital).

NM_005228.5(EGFR):c.1793G>T (p.Gly598Val)

Gene: EGFR (epidermal growth factor receptor; plus strand). Cytogenetic location: 7p11.2.
Variant type: single nucleotide variant.
Coding change: c.1793G>T on transcript NM_005228.5 (MANE Select); coding-DNA position 1793, G replaced by T.
Protein change: p.Gly598Val; replaces glycine 598 with valine.
Molecular consequence: missense variant.
Genome position (GRCh38, 1-based): chr7:55,165,350, G>T. VCF-style: chr7-55165350-G-T. GRCh37 (hg19) VCF-style: chr7-55233043-G-T.
Other names: c.1793G>T, p.Gly598Val (NM_201284.2, NM_001346898.2, NM_201282.2); c.1658G>T, p.Gly553Val (NM_001346897.2, NM_001346899.2); c.1634G>T, p.Gly545Val (NM_001346900.2); c.992G>T, p.Gly331Val (NM_001346941.2); short protein forms G598V, G331V, G553V, G545V.
Identifiers: ClinVar variation 376210 (VCV000376210.4), dbSNP rs139236063, ClinGen allele CA4265696.
Genomic context (GRCh38, chr7:55,165,350, plus strand): 5'-ACTGTATCCAGTGTGCCCACTACATTGACGGCCCCCACTGCGTCAAGACCTGCCCGGCAG[G>T]AGTCATGGGAGAAAACAACACCCTGGTCTGGAAGTACGCAGACGCCGGCCATGTGTGCCA-3'
Protein context (NP_005219.2, residues 588-608): GPHCVKTCPA[Gly598Val]VMGENNTLVW